The following is an entry in ClinVar:

ClinVar aggregate classification (germline): Uncertain significance (1 of 4 stars; one submission).

Conditions:
Walker-Warburg congenital muscular dystrophy. Also called: Muscular dystrophy-dystroglycanopathy, type A; Walker-Warburg syndrome. Identifiers: Orphanet 899, MedGen C0265221, MONDO:0000171.

Submission:

Labcorp Genetics (formerly Invitae), Labcorp
Classification: Uncertain significance for Walker-Warburg congenital muscular dystrophy. Last evaluated: 2022-06-27. Review status: criteria provided, single submitter. Criteria: Invitae Variant Classification Sherloc (09022015). Collection method: clinical testing. Allele origin: germline.
Comment: In summary, the available evidence is currently insufficient to determine the role of this variant in disease. Therefore, it has been classified as a Variant of Uncertain Significance. Algorithms developed to predict the effect of missense changes on protein structure and function are either unavailable or do not agree on the potential impact of this missense change (SIFT: "Deleterious"; PolyPhen-2: "Possibly Damaging"; Align-GVGD: "Class C15"). ClinVar contains an entry for this variant (Variation ID: 1026874). This variant has not been reported in the literature in individuals affected with FKTN-related conditions. This variant is not present in population databases (gnomAD no frequency). This sequence change replaces phenylalanine, which is neutral and non-polar, with leucine, which is neutral and non-polar, at codon 368 of the FKTN protein (p.Phe368Leu).

NM_001079802.2(FKTN):c.1104T>A (p.Phe368Leu)

Gene: FKTN (fukutin; plus strand). Cytogenetic location: 9q31.2.
Variant type: single nucleotide variant.
Coding change: c.1104T>A on transcript NM_001079802.2 (MANE Select); coding-DNA position 1104, T replaced by A.
Protein change: p.Phe368Leu; replaces phenylalanine 368 with leucine.
Molecular consequence: missense variant. On other transcripts: non-coding transcript variant (2).
Genome position (GRCh38, 1-based): chr9:105,619,993, T>A. VCF-style: chr9-105619993-T-A. GRCh37 (hg19) VCF-style: chr9-108382274-T-A.
Other names: c.1104T>A, p.Phe368Leu (NM_001198963.2, NM_001351496.2, NM_001351498.2 and 1 more transcripts); c.1035T>A, p.Phe345Leu (NM_001351497.2); c.708T>A, p.Phe236Leu (NM_001351499.2, NM_001351500.2, NM_001351501.2 and 1 more transcripts); short protein forms F236L, F345L, F368L.
Identifiers: ClinVar variation 1026874 (VCV001026874.10), dbSNP rs1831558425, ClinGen allele CA374377826.